The following is an entry in ClinVar:

NM_007294.4(BRCA1):c.4315C>G (p.Leu1439Val)

Gene: BRCA1 (BRCA1 DNA repair associated; minus strand). Cytogenetic location: 17q21.31.
Variant type: single nucleotide variant.
Coding change: c.4315C>G on transcript NM_007294.4 (MANE Select); coding-DNA position 4315, C replaced by G.
Protein change: p.Leu1439Val; replaces leucine 1439 with valine.
Molecular consequence: missense variant.
Genome position (GRCh38, 1-based): chr17:43,082,446, G>C on the plus strand (C>G on the coding strand, the complement: BRCA1 is on the minus strand). VCF-style: chr17-43082446-G-C. GRCh37 (hg19) VCF-style: chr17-41234463-G-C.
Other names: c.796C>G, p.Leu266Val (NM_001408480.1, NM_001408481.1, NM_001408483.1 and 6 more transcripts); c.793C>G, p.Leu265Val (NM_001408490.1, NM_001408491.1, NM_001408492.1 and 3 more transcripts); c.4174C>G, p.Leu1392Val (NM_001407735.1, NM_001407736.1, NM_001407737.1 and 23 more transcripts); c.4171C>G, p.Leu1391Val (NM_001407740.1, NM_001407741.1, NM_001407742.1 and 23 more transcripts); c.4168C>G, p.Leu1390Val (NM_001407847.1, NM_001407848.1, NM_001407849.1); c.4102C>G, p.Leu1368Val (NM_001407853.1, NM_001407894.1, NM_001407895.1 and 12 more transcripts); c.4315C>G, p.Leu1439Val (NM_001407854.1, NM_001407858.1, NM_001407859.1 and 23 more transcripts); c.4312C>G, p.Leu1438Val (NM_001407860.1, NM_001407861.1, NM_001407587.1 and 21 more transcripts); and 51 more; short protein forms L1143V, L1311V, L1327V, L1368V, L1371V, L1390V, L1391V, L1397V.
Identifiers: ClinVar variation 2747718 (VCV002747718.2), dbSNP rs781260818, ClinGen allele CA10593091.

ClinVar aggregate classification (germline): Uncertain significance (1 of 4 stars; one submission).

Conditions:
Hereditary breast ovarian cancer syndrome. Also called: BRCA1- and BRCA2-Associated Hereditary Breast and Ovarian Cancer; Breast and ovarian cancer; Hereditary breast and/or ovarian cancer syndrome; Hereditary breast and ovarian cancer; Hereditary breast and ovarian cancer syndrome (HBOC); Hereditary breast and ovarian cancer syndrome. Identifiers: Orphanet 145, MedGen C0677776, MeSH D061325, MONDO:0003582. Disease mechanism: loss of function.

Submission:

Labcorp Genetics (formerly Invitae), Labcorp
Classification: Uncertain significance for Hereditary breast ovarian cancer syndrome. Last evaluated: 2023-07-31. Review status: criteria provided, single submitter. Criteria: Invitae Variant Classification Sherloc (09022015). Collection method: clinical testing. Allele origin: germline.
Comment: In summary, the available evidence is currently insufficient to determine the role of this variant in disease. Therefore, it has been classified as a Variant of Uncertain Significance. Advanced modeling of protein sequence and biophysical properties (such as structural, functional, and spatial information, amino acid conservation, physicochemical variation, residue mobility, and thermodynamic stability) performed at Invitae indicates that this missense variant is not expected to disrupt BRCA1 protein function. This variant has not been reported in the literature in individuals affected with BRCA1-related conditions. This variant is not present in population databases (gnomAD no frequency). This sequence change replaces leucine, which is neutral and non-polar, with valine, which is neutral and non-polar, at codon 1439 of the BRCA1 protein (p.Leu1439Val).